The following is an entry in ClinVar:

ClinVar aggregate classification (germline): Uncertain significance. Review status: criteria provided, multiple submitters, no conflicts (2 of 4 stars). 4 submissions from 4 submitters: Uncertain significance (4). Last evaluated 2024-12-27.

Conditions:
Hereditary cancer-predisposing syndrome. Also called: Hereditary Cancer Syndrome; Neoplastic Syndromes, Hereditary; Tumor predisposition; Hereditary neoplastic syndrome. Identifiers: Orphanet 140162, MedGen C0027672, MeSH D009386, MONDO:0015356.
Ataxia-telangiectasia syndrome (AT). Also called: Ataxia-telangiectasia, complementation group D; AT, COMPLEMENTATION GROUP C; ATAXIA-TELANGIECTASIA, COMPLEMENTATION GROUP A; ATAXIA-TELANGIECTASIA, FRESNO VARIANT; Ataxia-telangiectasia; LOUIS-BAR SYNDROME. Identifiers: Orphanet 100, MedGen C0004135, MONDO:0008840, OMIM 208900.

Submissions (4):

Ambry Genetics
Classification: Uncertain significance for Hereditary cancer-predisposing syndrome. Last evaluated: 2024-12-27. Review status: criteria provided, single submitter. Criteria: Ambry Variant Classification Scheme 2023. Collection method: clinical testing. Allele origin: germline.
Comment: The p.Q414H variant (also known as c.1242G>T), located in coding exon 9 of the ATM gene, results from a G to T substitution at nucleotide position 1242. The glutamine at codon 414 is replaced by histidine, an amino acid with highly similar properties. This amino acid position is highly conserved in available vertebrate species. In addition, the in silico prediction for this alteration is inconclusive. Since supporting evidence is limited at this time, the clinical significance of this alteration remains unclear.

GeneDx
Classification: Uncertain significance. Last evaluated: 2024-08-20. Review status: criteria provided, single submitter. Criteria: GeneDx Variant Classification Process June 2021. Collection method: clinical testing. Allele origin: germline. Affected: yes.
Comment: Not observed at significant frequency in large population cohorts (gnomAD); In silico analysis supports that this missense variant has a deleterious effect on protein structure/function; Has not been previously published as pathogenic or benign to our knowledge

Labcorp Genetics (formerly Invitae), Labcorp
Classification: Uncertain significance for Ataxia-telangiectasia syndrome. Last evaluated: 2024-04-29. Review status: criteria provided, single submitter. Criteria: Invitae Variant Classification Sherloc (09022015). Collection method: clinical testing. Allele origin: germline.
Comment: This sequence change replaces glutamine, which is neutral and polar, with histidine, which is basic and polar, at codon 414 of the ATM protein (p.Gln414His). This variant is not present in population databases (gnomAD no frequency). This variant has not been reported in the literature in individuals affected with ATM-related conditions. ClinVar contains an entry for this variant (Variation ID: 187355). An algorithm developed to predict the effect of missense changes on protein structure and function (PolyPhen-2) suggests that this variant is likely to be disruptive. In summary, the available evidence is currently insufficient to determine the role of this variant in disease. Therefore, it has been classified as a Variant of Uncertain Significance.

Color Diagnostics, LLC DBA Color Health
Classification: Uncertain significance for Hereditary cancer-predisposing syndrome. Last evaluated: 2020-01-28. Review status: criteria provided, single submitter. Criteria: ACMG Guidelines, 2015. Collection method: clinical testing. Allele origin: germline.
Comment: This missense variant replaces glutamine with histidine at codon 414 of the ATM protein. Computational prediction suggests that this variant may not impact protein structure and function (internally defined REVEL score threshold <= 0.5, PMID: 27666373). Splice site prediction tools suggest that this variant may not impact RNA splicing. To our knowledge, functional studies have not been performed for this variant. This variant has not been reported in individuals affected with hereditary cancer in the literature. This variant has not been identified in the general population by the Genome Aggregation Database (gnomAD). The available evidence is insufficient to determine the role of this variant in disease conclusively. Therefore, this variant is classified as a Variant of Uncertain Significance.

NM_000051.4(ATM):c.1242G>T (p.Gln414His)

Gene: ATM (ATM serine/threonine kinase; plus strand). Cytogenetic location: 11q22.3.
Variant type: single nucleotide variant.
Coding change: c.1242G>T on transcript NM_000051.4 (MANE Select); coding-DNA position 1242, G replaced by T.
Protein change: p.Gln414His; replaces glutamine 414 with histidine.
Molecular consequence: missense variant.
Genome position (GRCh38, 1-based): chr11:108,250,707, G>T. VCF-style: chr11-108250707-G-T. GRCh37 (hg19) VCF-style: chr11-108121434-G-T.
Other names: c.1242G>T, p.Gln414His (NM_001351834.2); short protein forms Q414H.
Identifiers: ClinVar variation 187355 (VCV000187355.19), dbSNP rs786203667, ClinGen allele CA197437.